The following is an entry in ClinVar:

NM_000051.4(ATM):c.1819G>A (p.Val607Ile)

Gene: ATM (ATM serine/threonine kinase; plus strand). Cytogenetic location: 11q22.3.
Variant type: single nucleotide variant.
Coding change: c.1819G>A on transcript NM_000051.4 (MANE Select); coding-DNA position 1819, G replaced by A.
Protein change: p.Val607Ile; replaces valine 607 with isoleucine.
Molecular consequence: missense variant.
Genome position (GRCh38, 1-based): chr11:108,252,833, G>A. VCF-style: chr11-108252833-G-A. GRCh37 (hg19) VCF-style: chr11-108123560-G-A.
Other names: c.1819G>A, p.Val607Ile (NM_001351834.2); short protein forms V607I.
Identifiers: ClinVar variation 236679 (VCV000236679.14), dbSNP rs878853489, ClinGen allele CA10582799.
Genomic context (GRCh38, chr11:108,252,833, plus strand): 5'-TGGCTTTTGGTCTTCTAAGTGAAGCTTTTTGTTTTTCTTTGTAGTAATTTTCCTCATCTT[G>A]TACTGGAGAAAATTCTTGTGAGTCTCACTATGAAAAACTGTAAAGCTGCAATGAATTTTT-3'
Protein context (NP_000042.3, residues 597-617): PILHSNFPHL[Val607Ile]LEKILVSLTM

ClinVar aggregate classification (germline): Conflicting classifications of pathogenicity. Review status: criteria provided, conflicting classifications (1 of 4 stars). 4 submissions from 4 submitters: Uncertain significance (2); Likely benign (2). Last evaluated 2026-01-27.

Conditions:
Hereditary cancer-predisposing syndrome. Also called: Neoplastic Syndromes, Hereditary; Hereditary Cancer Syndrome; Tumor predisposition; Hereditary neoplastic syndrome. Identifiers: Orphanet 140162, MedGen C0027672, MeSH D009386, MONDO:0015356.
Ataxia-telangiectasia syndrome (AT). Also called: LOUIS-BAR SYNDROME; Ataxia-telangiectasia, complementation group D; AT, COMPLEMENTATION GROUP C; Ataxia-telangiectasia, complementation group E; Ataxia telangiectasia (A-T); Cerebello-oculocutaneous telangiectasia. Identifiers: Orphanet 100, MedGen C0004135, MONDO:0008840, OMIM 208900.

Submissions (4):

Labcorp Genetics (formerly Invitae), Labcorp
Classification: Uncertain significance for Ataxia-telangiectasia syndrome. Last evaluated: 2026-01-27. Review status: criteria provided, single submitter. Criteria: Invitae Variant Classification Sherloc (09022015). Collection method: clinical testing. Allele origin: germline.
Comment: This sequence change replaces valine, which is neutral and non-polar, with isoleucine, which is neutral and non-polar, at codon 607 of the ATM protein (p.Val607Ile). This variant is not present in population databases (gnomAD no frequency). This variant has not been reported in the literature in individuals affected with ATM-related conditions. ClinVar contains an entry for this variant (Variation ID: 236679). Invitae Evidence Modeling of protein sequence and biophysical properties (such as structural, functional, and spatial information, amino acid conservation, physicochemical variation, residue mobility, and thermodynamic stability) indicates that this missense variant is not expected to disrupt ATM protein function with a negative predictive value of 95%. In summary, the available evidence is currently insufficient to determine the role of this variant in disease. Therefore, it has been classified as a Variant of Uncertain Significance.

Ambry Genetics
Classification: Likely benign for Hereditary cancer-predisposing syndrome. Last evaluated: 2025-06-17. Review status: criteria provided, single submitter. Criteria: Ambry Variant Classification Scheme 2023. Collection method: clinical testing. Allele origin: germline.

Blueprint Genetics
Classification: Likely benign. Last evaluated: 2022-10-27. Review status: criteria provided, single submitter. Criteria: ACMG Guidelines, 2015. Collection method: clinical testing. Allele origin: germline.

Color Diagnostics, LLC DBA Color Health
Classification: Uncertain significance for Hereditary cancer-predisposing syndrome. Last evaluated: 2020-01-15. Review status: criteria provided, single submitter. Criteria: ACMG Guidelines, 2015. Collection method: clinical testing. Allele origin: germline.
Comment: This missense variant replaces valine with isoleucine at codon 607 of the ATM protein. Computational prediction suggests that this variant may not impact protein structure and function (internally defined REVEL score threshold <= 0.5, PMID: 27666373). Splice site prediction tools suggest that this variant may not impact RNA splicing. To our knowledge, functional studies have not been performed for this variant. This variant has not been reported in individuals affected with hereditary cancer in the literature. This variant has not been identified in the general population by the Genome Aggregation Database (gnomAD). The available evidence is insufficient to determine the role of this variant in disease conclusively. Therefore, this variant is classified as a Variant of Uncertain Significance.